The following is an entry in ClinVar:

ClinVar aggregate classification (germline): Uncertain significance. Review status: criteria provided, multiple submitters, no conflicts (2 of 4 stars). 2 submissions from 2 submitters: Uncertain significance (2). Last evaluated 2024-06-28.

Conditions:
Cardiovascular phenotype. Identifiers: MedGen CN230736.

Allele frequency attached by ClinVar (database versions not stated): gnomAD exomes below 0.00001; ExAC 0.00001.

Submissions (2):

Blueprint Genetics
Classification: Uncertain significance. Last evaluated: 2024-06-28. Review status: criteria provided, single submitter. Criteria: ACMG Guidelines, 2015. Collection method: clinical testing. Allele origin: germline.

Ambry Genetics
Classification: Uncertain significance for Cardiovascular phenotype. Last evaluated: 2022-05-15. Review status: criteria provided, single submitter. Criteria: Ambry Variant Classification Scheme 2023. Collection method: clinical testing. Allele origin: germline.
Comment: The p.R211H variant (also known as c.632G>A), located in coding exon 1 of the DOLK gene, results from a G to A substitution at nucleotide position 632. The arginine at codon 211 is replaced by histidine, an amino acid with highly similar properties. This amino acid position is conserved. In addition, the in silico prediction for this alteration is inconclusive. Since supporting evidence is limited at this time, the clinical significance of this alteration remains unclear.

NM_014908.4(DOLK):c.632G>A (p.Arg211His)

Gene: DOLK (dolichol kinase; minus strand). Cytogenetic location: 9q34.11.
Variant type: single nucleotide variant.
Coding change: c.632G>A on transcript NM_014908.4 (MANE Select); coding-DNA position 632, G replaced by A.
Protein change: p.Arg211His; replaces arginine 211 with histidine.
Molecular consequence: missense variant.
Genome position (GRCh38, 1-based): chr9:128,946,672, C>T on the plus strand (G>A on the coding strand, the complement: DOLK is on the minus strand). VCF-style: chr9-128946672-C-T. GRCh37 (hg19) VCF-style: chr9-131708951-C-T.
Other names: short protein forms R211H.
Identifiers: ClinVar variation 1752895 (VCV001752895.3), dbSNP rs771955986, ClinGen allele CA5271708.